The following is an entry in ClinVar:

NM_001349206.2(LPIN1):c.1343T>G (p.Leu448Arg)

Gene: LPIN1 (lipin 1; plus strand). Cytogenetic location: 2p25.1.
Variant type: single nucleotide variant.
Coding change: c.1343T>G on transcript NM_001349206.2 (MANE Select); coding-DNA position 1343, T replaced by G.
Protein change: p.Leu448Arg; replaces leucine 448 with arginine.
Molecular consequence: missense variant. On other transcripts: non-coding transcript variant (1).
Genome position (GRCh38, 1-based): chr2:11,783,907, T>G. VCF-style: chr2-11783907-T-G. GRCh37 (hg19) VCF-style: chr2-11924033-T-G.
Other names: c.1235T>G, p.Leu412Arg (NM_145693.4, NM_001349199.2, NM_001349200.2 and 1 more transcripts); c.1253T>G, p.Leu418Arg (NM_001261427.3); c.1490T>G, p.Leu497Arg (NM_001261428.3); c.1340T>G, p.Leu447Arg (NM_001349202.2, NM_001349203.2); c.1343T>G, p.Leu448Arg (NM_001349204.2, NM_001349205.2); c.1433T>G, p.Leu478Arg (NM_001349207.2); c.1382T>G, p.Leu461Arg (NM_001349208.2); short protein forms L447R, L461R, L418R, L448R, L497R, L478R, L412R.
Identifiers: ClinVar variation 2742373 (VCV002742373.3), dbSNP rs773483669, ClinGen allele CA1533673.
Genomic context (GRCh38, chr2:11,783,907, plus strand): 5'-TTGGTGCTGACGGCGTCTACTTGGATGACCTCACAGACATGGATCCTGAAGTGGCGGCCC[T>G]GTATTTTCCCAAAAAGTAAAATTCCTGTTAATTCCTCACATCATTTCCTATAATCTGAAT-3'
Protein context (NP_001336135.1, residues 438-458): LTDMDPEVAA[Leu448Arg]YFPKNGDPSG

ClinVar aggregate classification (germline): Uncertain significance (1 of 4 stars; one submission).

Allele frequency attached by ClinVar (database versions not stated): gnomAD exomes below 0.00001; ExAC 0.00001; TOPMed 0.00002.
gnomAD v4.1: 1 of 1,614,128 alleles (0.000062%); highest among the groups gnomAD compares: Non-Finnish European, 0.000085%; no homozygotes.

Submission:

Labcorp Genetics (formerly Invitae), Labcorp
Classification: Uncertain significance. Last evaluated: 2023-06-02. Review status: criteria provided, single submitter. Criteria: Invitae Variant Classification Sherloc (09022015). Collection method: clinical testing. Allele origin: germline.
Comment: This sequence change replaces leucine, which is neutral and non-polar, with arginine, which is basic and polar, at codon 412 of the LPIN1 protein (p.Leu412Arg). This variant is present in population databases (rs773483669, gnomAD 0.0009%). This variant has not been reported in the literature in individuals affected with LPIN1-related conditions. In summary, the available evidence is currently insufficient to determine the role of this variant in disease. Therefore, it has been classified as a Variant of Uncertain Significance. Algorithms developed to predict the effect of sequence changes on RNA splicing suggest that this variant may create or strengthen a splice site. Advanced modeling of protein sequence and biophysical properties (such as structural, functional, and spatial information, amino acid conservation, physicochemical variation, residue mobility, and thermodynamic stability) performed at Invitae indicates that this missense variant is not expected to disrupt LPIN1 protein function.